The following is an entry in ClinVar:

ClinVar aggregate classification (germline): Pathogenic/Likely pathogenic. Review status: criteria provided, multiple submitters, no conflicts (2 of 4 stars). 3 submissions from 3 submitters: Pathogenic (1); Likely pathogenic (2). Last evaluated 2024-10-02.

Submissions (3):

GeneDx
Classification: Likely pathogenic. Last evaluated: 2024-10-02. Review status: criteria provided, single submitter. Criteria: GeneDx Variant Classification Process June 2021. Collection method: clinical testing. Allele origin: germline. Affected: yes.
Comment: Frameshift variant predicted to result in abnormal protein length as the last 91 amino acid(s) are replaced with 54 different amino acid(s), and other similar variants have been reported in HGMD; Not observed at significant frequency in large population cohorts (gnomAD); Has not been previously published as a pathogenic or benign germline variant to our knowledge; This variant is associated with the following publications: (PMID: 23759652)

Revvity Omics, Revvity
Classification: Likely pathogenic. Last evaluated: 2023-06-20. Review status: criteria provided, single submitter. Criteria: ACMG Guidelines, 2015. Collection method: clinical testing. Allele origin: germline.

Institute for Clinical Genetics, University Hospital TU Dresden, University Hospital TU Dresden
Classification: Pathogenic. Last evaluated: 2022-04-27. Review status: criteria provided, single submitter. Criteria: ACMG Guidelines, 2015. Collection method: clinical testing. Allele origin: de novo.
Comment: PS2, PVS1_MOD, PM2_SUP

NM_001429.4(EP300):c.6970dup (p.His2324fs)

Gene: EP300 (EP300 lysine acetyltransferase; plus strand). Cytogenetic location: 22q13.2.
Variant type: Duplication.
Coding change: c.6970dup on transcript NM_001429.4 (MANE Select); coding-DNA position 6970, one base duplicated (C; older notation c.6970dupC).
Protein change: p.His2324fs; shifts the reading frame from histidine 2324.
Molecular consequence: frameshift variant.
Genome position (GRCh38, 1-based): chr22:41,178,681, C duplicated; the last of 7 consecutive C bases (chr22:41,178,675-41,178,681); duplicating any one gives the same sequence. VCF-style (leftmost placement, unchanged base first): chr22-41178674-G-GC. GRCh37 (hg19) VCF-style: chr22-41574678-G-GC.
Other names: c.6892dup, p.His2298fs (NM_001362843.2); short protein forms H2298fs, H2324fs.
Identifiers: ClinVar variation 1878727 (VCV001878727.6), dbSNP rs754418509, ClinGen allele CA10253990.
Genomic context (GRCh38, chr22:41,178,674, plus strand): 5'-TTCTCTCTCCAATCAAGTGCGCTCTCCCCAGCCTGTCCCTTCTCCACGGCCACAGTCCCA[G>GC]CCCCCCCACTCCAGTCCTTCCCCAAGGATGCAGCCTCAGCCTTCTCCACACCACGTTTCC-3'